The following is an entry in ClinVar:

NM_002485.5(NBN):c.394A>G (p.Ile132Val)

Gene: NBN (nibrin; minus strand). Cytogenetic location: 8q21.3.
Variant type: single nucleotide variant.
Coding change: c.394A>G on transcript NM_002485.5 (MANE Select); coding-DNA position 394, A replaced by G.
Protein change: p.Ile132Val; replaces isoleucine 132 with valine.
Molecular consequence: missense variant.
Genome position (GRCh38, 1-based): chr8:89,980,820, T>C on the plus strand (A>G on the coding strand, the complement: NBN is on the minus strand). VCF-style: chr8-89980820-T-C. GRCh37 (hg19) VCF-style: chr8-90993048-T-C.
Other names: c.148A>G, p.Ile50Val (NM_001024688.3); short protein forms I132V, I50V.
Identifiers: ClinVar variation 231414 (VCV000231414.19), dbSNP rs756946899, ClinGen allele CA4802987.

ClinVar aggregate classification (germline): Conflicting classifications of pathogenicity. Review status: criteria provided, conflicting classifications (1 of 4 stars). 4 submissions from 4 submitters: Uncertain significance (3); Likely benign (1). Last evaluated 2025-11-03.

Conditions:
Hereditary cancer-predisposing syndrome. Also called: Neoplastic Syndromes, Hereditary; Tumor predisposition; Hereditary neoplastic syndrome; Hereditary Cancer Syndrome. Identifiers: Orphanet 140162, MedGen C0027672, MeSH D009386, MONDO:0015356.
Microcephaly, normal intelligence and immunodeficiency (NBS). Also called: Nijmegen breakage syndrome; Microcephaly with normal intelligence immunodeficiency and lymphoreticular malignancies; Nonsyndromal microcephaly autosomal recessive with normal intelligence; Seemanova syndrome 2; Immunodeficiency, microcephaly with normal intelligence; Ataxia telangiectasia variant V1. Identifiers: Orphanet 647, MedGen C0398791, MONDO:0009623, OMIM 251260.

Allele frequency attached by ClinVar (database versions not stated): gnomAD exomes below 0.00001 and 0.00001; TOPMed below 0.00001; ExAC 0.00001; gnomAD 0.00001.
gnomAD v4.1: 9 of 1,612,584 alleles (0.00056%); highest among the groups gnomAD compares: African/African-American, 0.004%; no homozygotes.

Submissions (4):

Labcorp Genetics (formerly Invitae), Labcorp
Classification: Uncertain significance for Microcephaly, normal intelligence and immunodeficiency. Last evaluated: 2025-11-03. Review status: criteria provided, single submitter. Criteria: Invitae Variant Classification Sherloc (09022015). Collection method: clinical testing. Allele origin: germline.
Comment: This sequence change replaces isoleucine, which is neutral and non-polar, with valine, which is neutral and non-polar, at codon 132 of the NBN protein (p.Ile132Val). This variant is present in population databases (rs756946899, gnomAD 0.008%). This variant has not been reported in the literature in individuals affected with NBN-related conditions. ClinVar contains an entry for this variant (Variation ID: 231414). An algorithm developed to predict the effect of missense changes on protein structure and function outputs the following: PolyPhen-2: "Benign". The valine amino acid residue is found in multiple mammalian species, which suggests that this missense change does not adversely affect protein function. In summary, the available evidence is currently insufficient to determine the role of this variant in disease. Therefore, it has been classified as a Variant of Uncertain Significance.

Hema, HEMA – Genetic and Molecular Diagnostic Laboratory
Classification: Uncertain significance for Microcephaly, normal intelligence and immunodeficiency. Last evaluated: 2025-10-27. Review status: criteria provided, single submitter. Criteria: HEMA Variant Classification Assertion Criteria. Collection method: clinical testing. Allele origin: germline.
Comment: The c.394A>G p.Ile132Val variant is a transition from thymine to cytosine, resulting in the substitution of isoleucine 132 with valine. PM2_Supporting: Present at very low frequency in the gnomAD v4.1.0 database. BP4_Moderate: The computational metapredictor REVEL score = 0.109 ≤ 0.183, indicating that the variant would not have an effect on the NBN protein.

Genome-Nilou Lab
Classification: Uncertain significance for Microcephaly, normal intelligence and immunodeficiency. Last evaluated: 2021-11-07. Review status: criteria provided, single submitter. Criteria: ACMG Guidelines, 2015. Collection method: clinical testing. Allele origin: germline. Affected: no.

Ambry Genetics
Classification: Likely benign for Hereditary cancer-predisposing syndrome. Last evaluated: 2019-03-29. Review status: criteria provided, single submitter. Criteria: Ambry Variant Classification Scheme 2023. Collection method: clinical testing. Allele origin: germline.